The following is an entry in ClinVar:

ClinVar aggregate classification (germline): Uncertain significance (1 of 4 stars; one submission).

Conditions:
Loeys-Dietz syndrome 4 (LDS4). Also called: TGFB2-Related Loeys-Dietz Syndrome; ANEURYSM, AORTIC AND CEREBRAL, WITH ARTERIAL TORTUOSITY AND SKELETAL MANIFESTATIONS. Identifiers: MedGen C3553762, MONDO:0013897, OMIM 614816.

Submission:

Labcorp Genetics (formerly Invitae), Labcorp
Classification: Uncertain significance for Loeys-Dietz syndrome 4. Last evaluated: 2022-03-05. Review status: criteria provided, single submitter. Criteria: Invitae Variant Classification Sherloc (09022015). Collection method: clinical testing. Allele origin: germline.
Comment: In summary, the available evidence is currently insufficient to determine the role of this variant in disease. Therefore, it has been classified as a Variant of Uncertain Significance. Advanced modeling of protein sequence and biophysical properties (such as structural, functional, and spatial information, amino acid conservation, physicochemical variation, residue mobility, and thermodynamic stability) performed at Invitae indicates that this missense variant is expected to disrupt TGFB2 protein function. ClinVar contains an entry for this variant (Variation ID: 968482). This variant has not been reported in the literature in individuals affected with TGFB2-related conditions. This variant is not present in population databases (gnomAD no frequency). This sequence change replaces glycine, which is neutral and non-polar, with glutamic acid, which is acidic and polar, at codon 348 of the TGFB2 protein (p.Gly348Glu).

NM_003238.6(TGFB2):c.1043G>A (p.Gly348Glu)

Gene: TGFB2 (transforming growth factor beta 2; plus strand). Cytogenetic location: 1q41.
Variant type: single nucleotide variant.
Coding change: c.1043G>A on transcript NM_003238.6 (MANE Select); coding-DNA position 1043, G replaced by A.
Protein change: p.Gly348Glu; replaces glycine 348 with glutamic acid.
Molecular consequence: missense variant. On other transcripts: non-coding transcript variant (2).
Genome position (GRCh38, 1-based): chr1:218,437,453, G>A. VCF-style: chr1-218437453-G-A. GRCh37 (hg19) VCF-style: chr1-218610795-G-A.
Other names: c.1127G>A, p.Gly376Glu (NM_001135599.4); short protein forms G376E, G348E.
Identifiers: ClinVar variation 968482 (VCV000968482.10), dbSNP rs1660008608, ClinGen allele CA344727637.